The following is an entry in ClinVar:

NM_000349.3(STAR):c.392_393insTG (p.Glu131fs)

Gene: STAR (steroidogenic acute regulatory protein; minus strand). Cytogenetic location: 8p11.23.
Variant type: Insertion.
Coding change: c.392_393insTG on transcript NM_000349.3 (MANE Select); coding-DNA positions 392 to 393, TG inserted.
Protein change: p.Glu131fs; shifts the reading frame from glutamic acid 131.
Molecular consequence: frameshift variant.
Genome position: GRCh38 VCF-style: chr8-38146361-C-CCA. GRCh37 (hg19) VCF-style: chr8-38003879-C-CCA.
Other names: short protein forms E131fs.
Identifiers: ClinVar variation 1724309 (VCV001724309.2), dbSNP rs2487063377, ClinGen allele CA2580078229.
Genomic context (GRCh38, chr8:38,146,361, plus strand): 5'-GACATTGGGGTTCCACTCCCCCATTGCTTCCATGCGCTCCACGAGCTCTTCATAGAGCCT[C>CCA]TCCATGGGCTGGTCCACCACGACCTCCAGCCGGAACACCTTGCCCACATCTGGGACCACT-3'

ClinVar aggregate classification (germline): Likely pathogenic (1 of 4 stars; one submission).

Conditions:
Congenital lipoid adrenal hyperplasia due to STAR deficency. Also called: Congenital Lipoid Adrenal Hyperplasia; Cholesterol monooxygenase (side-chain cleaving) deficiency; Lipoid adrenal hyperplasia; ADRENAL HYPERPLASIA I. Identifiers: Orphanet 418, Orphanet 90790, MedGen C0342474, MONDO:0008725, OMIM 201710.

Submission:

Myriad Genetics, Inc.
Classification: Likely pathogenic for Congenital lipoid adrenal hyperplasia due to STAR deficency. Last evaluated: 2022-02-05. Review status: criteria provided, single submitter. Criteria: Myriad Women's Health Autosomal Recessive and X-Linked Classification Criteria (2021). Collection method: clinical testing. Allele origin: unknown.
Comment: NM_000349.2(STAR):c.392_393insTG(E131Dfs*56) is expected to be pathogenic in the context of lipoid congenital adrenal hyperplasia. This variant is predicted to lead to an abnormal or absent protein product due to the creation of a premature termination codon in STAR, a gene where loss-of-function variants are known to be pathogenic. Please note: this variant was assessed in the context of healthy population screening.